The following is an entry in ClinVar:

NM_019594.4(LRRC8A):c.2401C>T (p.Arg801Trp)

Gene: LRRC8A (leucine rich repeat containing 8 VRAC subunit A; plus strand). Cytogenetic location: 9q34.11.
Variant type: single nucleotide variant.
Coding change: c.2401C>T on transcript NM_019594.4 (MANE Select); coding-DNA position 2401, C replaced by T.
Protein change: p.Arg801Trp; replaces arginine 801 with tryptophan.
Molecular consequence: missense variant.
Genome position (GRCh38, 1-based): chr9:128,916,339, C>T. VCF-style: chr9-128916339-C-T. GRCh37 (hg19) VCF-style: chr9-131678618-C-T.
Other names: c.2401C>T, p.Arg801Trp (NM_001127244.2, NM_001127245.2); c.2401C>T (NM_001127244.1); short protein forms R801W.
Identifiers: ClinVar variation 2172295 (VCV002172295.6), dbSNP rs371629774, ClinGen allele CA5271085.

ClinVar aggregate classification (germline): Uncertain significance. Review status: criteria provided, multiple submitters, no conflicts (2 of 4 stars). 2 submissions from 2 submitters: Uncertain significance (2). Last evaluated 2023-03-22.

Allele frequency attached by ClinVar (database versions not stated): gnomAD exomes below 0.00001; TOPMed below 0.00001; gnomAD 0.00001; ExAC 0.00002.
gnomAD v4.1: 8 of 1,611,796 alleles (0.0005%); highest among the groups gnomAD compares: East Asian, 0.0022%; no homozygotes.

Submissions (2):

Ambry Genetics
Classification: Uncertain significance. Last evaluated: 2023-03-22. Review status: criteria provided, single submitter. Criteria: Ambry Variant Classification Scheme 2023. Collection method: clinical testing. Allele origin: germline.

Labcorp Genetics (formerly Invitae), Labcorp
Classification: Uncertain significance. Last evaluated: 2023-01-09. Review status: criteria provided, single submitter. Criteria: Invitae Variant Classification Sherloc (09022015). Collection method: clinical testing. Allele origin: germline.
Comment: This sequence change replaces arginine, which is basic and polar, with tryptophan, which is neutral and slightly polar, at codon 801 of the LRRC8A protein (p.Arg801Trp). This variant is present in population databases (rs371629774, gnomAD 0.01%). This variant has not been reported in the literature in individuals affected with LRRC8A-related conditions. Algorithms developed to predict the effect of missense changes on protein structure and function are either unavailable or do not agree on the potential impact of this missense change (SIFT: "Deleterious"; PolyPhen-2: "Benign"; Align-GVGD: "Class C25"). In summary, the available evidence is currently insufficient to determine the role of this variant in disease. Therefore, it has been classified as a Variant of Uncertain Significance.